The following is an entry in ClinVar:

NM_000088.4(COL1A1):c.1300-2del

Gene: COL1A1 (collagen type I alpha 1 chain; minus strand). Cytogenetic location: 17q21.33.
Variant type: Deletion.
Coding change: c.1300-2del on transcript NM_000088.4 (MANE Select); the canonical splice acceptor site of the intron before coding-DNA position 1300, one base deleted (A; older notation c.1300-2delA).
Molecular consequence: splice acceptor variant.
Genome position (GRCh38, 1-based): chr17:50,195,102, T deleted on the plus strand (A on the coding strand, the reverse complement: COL1A1 is on the minus strand). VCF-style (leftmost placement, unchanged base first): chr17-50195101-CT-C. GRCh37 (hg19) VCF-style: chr17-48272462-CT-C.
Other names: c.1300-2delA (NM_000088.4).
Identifiers: ClinVar variation 4280685 (VCV004280685.1).
Genomic context (GRCh38, chr17:50,195,101, plus strand): 5'-ACTTACAGGCTCTCCCTTAGCACCAGTGTCTCCTTTGCTGCCAGGAGCACCAGGTTCACC[CT>C]GCAAGGGGGGAGAAGAGGATGAGCTGAGAGTCGGGGGCGCTCAGTTGGCCTGCGTCTTCC-3'

ClinVar aggregate classification (germline): Pathogenic (1 of 4 stars; one submission).

Conditions:
Osteogenesis imperfecta type I (OI1). Also called: OI, TYPE I; OSTEOGENESIS IMPERFECTA TARDA; OSTEOGENESIS IMPERFECTA WITH BLUE SCLERAE; Osteogenesis imperfecta type 1; Lobstein's Disease; Lobstein disease. Identifiers: Orphanet 216796, Orphanet 666, MedGen C0023931, MONDO:0008146, OMIM 166200. Disease mechanism: loss of function.

Submission:

Laboratory of Genetic Skeletal Anomaly, Seoul National University Children's Hospital
Classification: Pathogenic for Osteogenesis imperfecta type I. Last evaluated: 2025-03-01. Review status: criteria provided, single submitter. Criteria: ACMG Guidelines, 2015. Collection method: research. Allele origin: germline. Affected: yes.
Comment: This variant is a novel variant not previously reported in the literature or population databases. It was classified based on available in silico predictions and absence from gnomAD.